The following is an entry in ClinVar:

ClinVar aggregate classification (germline): Uncertain significance (1 of 4 stars; one submission).

Conditions:
Hereditary cancer-predisposing syndrome. Also called: Hereditary Cancer Syndrome; Neoplastic Syndromes, Hereditary; Tumor predisposition; Hereditary neoplastic syndrome. Identifiers: Orphanet 140162, MedGen C0027672, MeSH D009386, MONDO:0015356.

Submission:

Ambry Genetics
Classification: Uncertain significance for Hereditary cancer-predisposing syndrome. Last evaluated: 2020-11-25. Review status: criteria provided, single submitter. Criteria: Ambry Variant Classification Scheme 2023. Collection method: clinical testing. Allele origin: germline.
Comment: The p.P169R variant (also known as c.506C>G), located in coding exon 1 of the MET gene, results from a C to G substitution at nucleotide position 506. The proline at codon 169 is replaced by arginine, an amino acid with dissimilar properties. This amino acid position is poorly conserved in available vertebrate species. In addition, this alteration is predicted to be tolerated by in silico analysis. Since supporting evidence is limited at this time, the clinical significance of this alteration remains unclear.

NM_000245.4(MET):c.506C>G (p.Pro169Arg)

Gene: MET (MET proto-oncogene, receptor tyrosine kinase; plus strand). Cytogenetic location: 7q31.2.
Variant type: single nucleotide variant.
Coding change: c.506C>G on transcript NM_000245.4 (MANE Select); coding-DNA position 506, C replaced by G.
Protein change: p.Pro169Arg; replaces proline 169 with arginine.
Molecular consequence: missense variant. On other transcripts: intron variant (1).
Genome position (GRCh38, 1-based): chr7:116,699,590, C>G. VCF-style: chr7-116699590-C-G. GRCh37 (hg19) VCF-style: chr7-116339644-C-G.
Other names: c.506C>G, p.Pro169Arg (NM_001127500.3, NM_001324401.3); c.-91+27013C>G (NM_001324402.2); short protein forms P169R.
Identifiers: ClinVar variation 1745146 (VCV001745146.2), dbSNP rs2116590631, ClinGen allele CA368969231.
Genomic context (GRCh38, chr7:116,699,590, plus strand): 5'-ATCATACTGCTGACATACAGTCGGAGGTTCACTGCATATTCTCCCCACAGATAGAAGAGC[C>G]CAGCCAGTGTCCTGACTGTGTGGTGAGCGCCCTGGGAGCCAAAGTCCTTTCATCTGTAAA-3'
Protein context (NP_000236.2, residues 159-179): HCIFSPQIEE[Pro169Arg]SQCPDCVVSA